The following is an entry in ClinVar:

ClinVar aggregate classification (germline): Pathogenic (1 of 4 stars; one submission).

Submission:

Labcorp Genetics (formerly Invitae), Labcorp
Classification: Pathogenic. Last evaluated: 2021-04-23. Review status: criteria provided, single submitter. Criteria: Invitae Variant Classification Sherloc (09022015). Collection method: clinical testing. Allele origin: germline.
Comment: For these reasons, this variant has been classified as Pathogenic. This variant has not been reported in the literature in individuals with PHEX-related conditions. This variant is not present in population databases (ExAC no frequency). This sequence change creates a premature translational stop signal (p.Cys54Trpfs*16) in the PHEX gene. It is expected to result in an absent or disrupted protein product. Loss-of-function variants in PHEX are known to be pathogenic (PMID: 9097956, 9106524, 19219621).

Literature cited by the submitters: PubMed 9097956; PubMed 9106524; PubMed 19219621.

NM_000444.6(PHEX):c.161dup (p.Cys54fs)

Gene: PHEX (phosphate regulating endopeptidase X-linked; plus strand). Cytogenetic location: Xp22.11.
Variant type: Duplication.
Coding change: c.161dup on transcript NM_000444.6 (MANE Select); coding-DNA position 161, one base duplicated (G; older notation c.161dupG).
Protein change: p.Cys54fs; shifts the reading frame from cysteine 54.
Molecular consequence: frameshift variant.
Genome position (GRCh38, 1-based): chrX:22,038,511, G duplicated. VCF-style (leftmost placement, unchanged base first): chrX-22038510-T-TG. GRCh37 (hg19) VCF-style: chrX-22056628-T-TG.
Other names: c.161dup, p.Cys54fs (NM_001282754.2); short protein forms C54fs.
Identifiers: ClinVar variation 1454656 (VCV001454656.6), dbSNP rs2146979558, ClinGen allele CA2573158510.